The following is an entry in ClinVar:

NM_015178.3(RHOBTB2):c.1216A>G (p.Thr406Ala)

Gene: RHOBTB2 (Rho related BTB domain containing 2; plus strand). Cytogenetic location: 8p21.3.
Variant type: single nucleotide variant.
Coding change: c.1216A>G on transcript NM_015178.3 (MANE Select); coding-DNA position 1216, A replaced by G.
Protein change: p.Thr406Ala; replaces threonine 406 with alanine.
Molecular consequence: missense variant.
Genome position (GRCh38, 1-based): chr8:23,007,461, A>G. VCF-style: chr8-23007461-A-G. GRCh37 (hg19) VCF-style: chr8-22864974-A-G.
Other names: c.1282A>G, p.Thr428Ala (NM_001160036.2); c.1237A>G, p.Thr413Ala (NM_001160037.2); c.1216A>G, p.Thr406Ala (NM_001374791.1); short protein forms T406A, T413A, T428A.
Identifiers: ClinVar variation 1699026 (VCV001699026.3), dbSNP rs2128804901, ClinGen allele CA370567700.

ClinVar aggregate classification (germline): Uncertain significance (1 of 4 stars; one submission).

Conditions:
Developmental and epileptic encephalopathy, 64. Also called: EPILEPTIC ENCEPHALOPATHY, EARLY INFANTILE, 64. Identifiers: MedGen C4693899, MONDO:0033373, OMIM 618004.

Submission:

Victorian Clinical Genetics Services, Murdoch Childrens Research Institute
Classification: Uncertain significance for Developmental and epileptic encephalopathy, 64. Last evaluated: 2020-10-19. Review status: criteria provided, single submitter. Criteria: ACMG Guidelines, 2015. Collection method: clinical testing. Allele origin: germline. Inheritance: Autosomal dominant inheritance. Affected: yes.
Comment: Based on the classification scheme VCGS_Germline_v1.1.1, this variant is classified as VUS - 3B. Following criteria are met: 0101 - Gain-of-function is a known mechanism of disease for this gene (PMID: 29768694). (N) 0107 - This gene is known to be associated with autosomal dominant disease. (N) 0200 - Variant is predicted to result in a missense amino acid change from threonine to alanine (exon 7). (N) 0251 - Variant is heterozygous. (N) 0301 - Variant is absent from gnomAD. (P) 0309 - An alternative amino acid change at the same position has been observed in gnomAD v2 (1 heterozygote, 0 homozygotes). (N) 0502 - Missense variant with conflicting in silico predictions and/or uninformative conservation. (N) 0600 - Variant is located in an annotated domain or motif, (BTB1_POZ_RHOBTB2 domain; NCBI). (N) 0705 - No comparable variants have previous evidence for pathogenicity. (N) 0807 - Variant has not previously been reported in a clinical context. (N) 0905 - No segregation evidence has been identified for this variant. (N) 1007 - No published functional evidence has been identified for this variant. (N) 1207 - Parental origin of the variant is unresolved. This variant was not maternally inherited. (N) Legend: (P) - Pathogenic, (N) - Neutral, (B) - Benign

Literature cited by the submitters: PubMed 29768694.